The following is an entry in ClinVar:

ClinVar aggregate classification (germline): Conflicting classifications of pathogenicity. Review status: criteria provided, conflicting classifications (1 of 4 stars). 6 submissions from 6 submitters: Uncertain significance (1); Benign (1); Likely benign (3). 1 of the submissions does not count toward it. Last evaluated 2026-01-22.

Conditions:
Cardiovascular phenotype. Identifiers: MedGen CN230736.
Alstrom syndrome (ALMS). Identifiers: Orphanet 64, MedGen C0268425, MONDO:0008763, OMIM 203800.

Submissions (6):

Labcorp Genetics (formerly Invitae), Labcorp
Classification: Benign for Alstrom syndrome. Last evaluated: 2026-01-22. Review status: criteria provided, single submitter. Criteria: Invitae Variant Classification Sherloc (09022015). Collection method: clinical testing. Allele origin: germline.

Blueprint Genetics
Classification: Uncertain significance. Last evaluated: 2024-11-04. Review status: criteria provided, single submitter. Criteria: ACMG Guidelines, 2015. Collection method: clinical testing. Allele origin: germline.

Women's Health and Genetics/Laboratory Corporation of America, LabCorp
Classification: Likely benign. Last evaluated: 2023-01-30. Review status: criteria provided, single submitter. Criteria: LabCorp Variant Classification Summary - May 2015. Collection method: clinical testing. Allele origin: germline.
Comment: Variant summary: ALMS1 c.100_105dupGCGGCG/p.Ala34_Ala35dup (c.103_108dupGCGGCG/p.Ala35_Ala36dup) results in an in-frame duplication that is predicted to duplicate 2 amino acids into the encoded protein. The variant allele was found at a frequency of 0.00051 in 139126 control chromosomes, predominantly at a frequency of 0.0024 within the Latino subpopulation in the gnomAD database. The observed variant frequency within Latino control individuals in the gnomAD database is slightly higher than the estimated maximal expected allele frequency for a pathogenic variant in ALMS1 causing Alstrom Syndrome With Dilated Cardiomyopathy phenotype (0.0018), strongly suggesting that the variant is a benign polymorphism found primarily in populations of Latino origin. Four clinical diagnostic laboratories have submitted clinical-significance assessments for this variant to ClinVar after 2014 without evidence for independent evaluation. Multiple laboratories reported the variant with conflicting assessments (likely benign n=2, VUS n=2). Based on the evidence outlined above, the variant was classified as likely benign.

Ambry Genetics
Classification: Likely benign for Cardiovascular phenotype. Last evaluated: 2022-01-13. Review status: criteria provided, single submitter. Criteria: Ambry Variant Classification Scheme 2023. Collection method: clinical testing. Allele origin: germline.

GeneDx
Classification: Likely benign. Last evaluated: 2020-08-03. Review status: criteria provided, single submitter. Criteria: GeneDx Variant Classification Process June 2021. Collection method: clinical testing. Allele origin: germline. Affected: yes.

Counsyl
Classification: Uncertain significance for Alstrom syndrome. Last evaluated: 2017-02-22. Review status: no assertion criteria provided. Collection method: clinical testing. Allele origin: unknown. Not counted in ClinVar's aggregate classification.

NM_001378454.1(ALMS1):c.91GCG[7] (p.Ala34_Ala35dup)

Gene: ALMS1 (ALMS1 centrosome and basal body associated protein; plus strand). Cytogenetic location: 2p13.1.
Variant type: Microsatellite.
Coding change: c.91GCG[7] on transcript NM_001378454.1 (MANE Select); seven copies in a row of the 3-base unit GCG starting at c.91; the reference has five copies in a row; two copies, 6 bases duplicated.
Protein change: p.Ala34_Ala35dup.
Molecular consequence: inframe insertion.
Genome position (GRCh38, 1-based): chr2:73,385,968-73,385,973, GCGGCG duplicated; duplicating any 6 consecutive bases within chr2:73,385,959-73,385,973 gives the same sequence; the position shown is the placement nearest the transcript's 3' end. VCF-style (leftmost placement, unchanged base first): chr2-73385958-A-AGCGGCG. GRCh37 (hg19) VCF-style: chr2-73613086-A-AGCGGCG.
Other names: c.103_108dupGCGGCG (NM_015120.4); c.103_108dup6 (NM_015120.4); c.94GCG[7], p.Ala35_Ala36dup (NM_015120.4).
Identifiers: ClinVar variation 403944 (VCV000403944.54), dbSNP rs746896173, ClinGen allele CA1712736.